The following is an entry in ClinVar:

ClinVar aggregate classification (germline): Uncertain significance (1 of 4 stars; one submission).

Conditions:
Dilated cardiomyopathy 1G (CMD1G). Identifiers: Orphanet 154, MedGen C1858763, MONDO:0011400, OMIM 604145.
Autosomal recessive limb-girdle muscular dystrophy type 2J (LGMDR10). Also called: Limb-girdle muscular dystrophy, type 2J; MUSCULAR DYSTROPHY, LIMB-GIRDLE, AUTOSOMAL RECESSIVE 10. Identifiers: Orphanet 140922, MedGen C1837342, MONDO:0012127, OMIM 608807.

Submission:

Labcorp Genetics (formerly Invitae), Labcorp
Classification: Uncertain significance for Dilated cardiomyopathy 1G; Autosomal recessive limb-girdle muscular dystrophy type 2J. Last evaluated: 2022-03-18. Review status: criteria provided, single submitter. Criteria: Invitae Variant Classification Sherloc (09022015). Collection method: clinical testing. Allele origin: germline.
Comment: In summary, the available evidence is currently insufficient to determine the role of this variant in disease. Therefore, it has been classified as a Variant of Uncertain Significance. This variant is located in the M band of TTN (PMID: 25589632). Variants in this region may be relevant for neuromuscular disorders, but have not been definitively shown to cause cardiomyopathy (PMID: 23975875). Experimental studies and prediction algorithms are not available or were not evaluated, and the functional significance of this variant is currently unknown. This variant has not been reported in the literature in individuals affected with TTN-related conditions. This variant is not present in population databases (gnomAD no frequency). This sequence change replaces lysine, which is basic and polar, with threonine, which is neutral and polar, at codon 34242 of the TTN protein (p.Lys34242Thr).

Literature cited by the submitters: PubMed 25589632; PubMed 23975875.

NM_001267550.2(TTN):c.102725A>C (p.Lys34242Thr)

Genes: TTN-AS1 (TTN antisense RNA 1; plus strand), TTN (titin; minus strand). Cytogenetic location: 2q31.2.
Variant type: single nucleotide variant.
Coding change: c.102725A>C on transcript NM_001267550.2 (MANE Select); coding-DNA position 102725, A replaced by C.
Protein change: p.Lys34242Thr; replaces lysine 34242 with threonine.
Molecular consequence: missense variant.
Genome position (GRCh38, 1-based): chr2:178,533,890, T>G on the plus strand (A>C on the coding strand, the complement: TTN is on the minus strand). VCF-style: chr2-178533890-T-G. GRCh37 (hg19) VCF-style: chr2-179398617-T-G.
Other names: c.97802A>C, p.Lys32601Thr (NM_001256850.1); c.75530A>C, p.Lys25177Thr (NM_003319.4); c.95021A>C, p.Lys31674Thr (NM_133378.4); c.75905A>C, p.Lys25302Thr (NM_133432.3); c.76106A>C, p.Lys25369Thr (NM_133437.4); short protein forms K25369T, K31674T, K34242T, K32601T, K25177T, K25302T.
Identifiers: ClinVar variation 1479440 (VCV001479440.8), dbSNP rs1553493858, ClinGen allele CA349416892.